The following is an entry in ClinVar:

NM_000051.4(ATM):c.1803-1G>T

Gene: ATM (ATM serine/threonine kinase; plus strand). Cytogenetic location: 11q22.3.
Variant type: single nucleotide variant.
Coding change: c.1803-1G>T on transcript NM_000051.4 (MANE Select); the canonical splice acceptor site of the intron before coding-DNA position 1803, G replaced by T.
Molecular consequence: splice acceptor variant.
Genome position (GRCh38, 1-based): chr11:108,252,816, G>T. VCF-style: chr11-108252816-G-T. GRCh37 (hg19) VCF-style: chr11-108123543-G-T.
Other names: c.1803-1G>T (NM_001351834.2).
Identifiers: ClinVar variation 3148364 (VCV003148364.1), dbSNP rs2135352415, ClinGen allele CA382535672.

ClinVar aggregate classification (germline): Likely pathogenic (1 of 4 stars; one submission).

Conditions:
Familial cancer of breast. Also called: BREAST CANCER, FAMILIAL; Hereditary breast cancer; hereditary breast carcinoma. Identifiers: Orphanet 227535, MedGen C0346153, MONDO:0016419, OMIM 114480. Disease mechanism: loss of function.

Submission:

Myriad Genetics, Inc.
Classification: Likely pathogenic for Familial cancer of breast. Last evaluated: 2024-01-16. Review status: criteria provided, single submitter. Criteria: Myriad Autosomal Dominant, Autosomal Recessive and X-Linked Classification Criteria (2023). Collection method: clinical testing. Allele origin: unknown.
Comment: This variant is considered likely pathogenic. This variant occurs within a consensus splice junction and is predicted to result in abnormal mRNA splicing of either an out-of-frame exon or an in-frame exon necessary for protein stability and/or normal function.